The following is an entry in ClinVar:

ClinVar aggregate classification (germline): Uncertain significance (1 of 4 stars; one submission).

Conditions:
Ehlers-Danlos syndrome, classic type, 1 (EDSCL1). Also called: EHLERS-DANLOS SYNDROME, GRAVIS TYPE; EHLERS-DANLOS SYNDROME, SEVERE CLASSIC TYPE; Ehlers-Danlos syndrome, type 1; Ehlers-Danlos Syndrome, Classic Type, COL5A1-Related; EDS I. Identifiers: MedGen C0268335, MONDO:0019567, OMIM 130000.

Allele frequency attached by ClinVar (database versions not stated): TOPMed below 0.00001.
gnomAD v4.1: 1 of 1,613,832 alleles (0.000062%); highest among the groups gnomAD compares: Non-Finnish European, 0.000085%; no homozygotes.

Submission:

Labcorp Genetics (formerly Invitae), Labcorp
Classification: Uncertain significance for Ehlers-Danlos syndrome, classic type, 1. Last evaluated: 2023-06-06. Review status: criteria provided, single submitter. Criteria: Invitae Variant Classification Sherloc (09022015). Collection method: clinical testing. Allele origin: germline.
Comment: This sequence change replaces proline, which is neutral and non-polar, with threonine, which is neutral and polar, at codon 802 of the COL5A2 protein (p.Pro802Thr). This variant is not present in population databases (gnomAD no frequency). This variant has not been reported in the literature in individuals affected with COL5A2-related conditions. Advanced modeling of protein sequence and biophysical properties (such as structural, functional, and spatial information, amino acid conservation, physicochemical variation, residue mobility, and thermodynamic stability) performed at Invitae indicates that this missense variant is not expected to disrupt COL5A2 protein function. In summary, the available evidence is currently insufficient to determine the role of this variant in disease. Therefore, it has been classified as a Variant of Uncertain Significance.

NM_000393.5(COL5A2):c.2404C>A (p.Pro802Thr)

Gene: COL5A2 (collagen type V alpha 2 chain; minus strand). Cytogenetic location: 2q32.2.
Variant type: single nucleotide variant.
Coding change: c.2404C>A on transcript NM_000393.5 (MANE Select); coding-DNA position 2404, C replaced by A.
Protein change: p.Pro802Thr; replaces proline 802 with threonine.
Molecular consequence: missense variant.
Genome position (GRCh38, 1-based): chr2:189,054,200, G>T on the plus strand (C>A on the coding strand, the complement: COL5A2 is on the minus strand). VCF-style: chr2-189054200-G-T. GRCh37 (hg19) VCF-style: chr2-189918926-G-T.
Other names: short protein forms P802T.
Identifiers: ClinVar variation 2695739 (VCV002695739.3), dbSNP rs1336044373, ClinGen allele CA349872670.
Genomic context (GRCh38, chr2:189,054,200, plus strand): 5'-TTAACAACTTGTGACTTACCTTTTCTCCAGTAGGACCTGCCGGACCTGGAGGGCCCAAAG[G>T]ACCTGGAAGACCCTGTCAATTAACAGAACATAGGCATATTGAGGTAAAAAATGCACAGAA-3'
Protein context (NP_000384.2, residues 792-812): GNDGARGLPG[Pro802Thr]LGPPGPAGPT